The following is an entry in ClinVar:

ClinVar aggregate classification (germline): Benign/Likely benign. Review status: criteria provided, multiple submitters, no conflicts (2 of 4 stars). 5 submissions from 5 submitters: Benign (1); Likely benign (3). 1 of the submissions does not count toward it. Last evaluated 2026-03-26.

Conditions:
NOTCH3-related disorder. Also called: NOTCH3-related disorders; NOTCH3-related condition.

Allele frequency attached by ClinVar (database versions not stated): gnomAD exomes 0.00017 and 0.00012; TOPMed 0.00008; gnomAD 0.00009 and 0.00010; ExAC 0.00021.
gnomAD v4.1: 191 of 1,613,214 alleles (0.012%); highest among the groups gnomAD compares: South Asian, 0.049%; no homozygotes.

Submissions (5):

Women's Health and Genetics/Laboratory Corporation of America, LabCorp
Classification: Likely benign. Last evaluated: 2026-03-26. Review status: criteria provided, single submitter. Criteria: LabCorp Variant Classification Summary - May 2015. Collection method: clinical testing. Allele origin: germline.
Comment: Variant summary: NOTCH3 c.5284G>A (p.Val1762Met) results in a conservative amino acid change in the encoded protein sequence. Algorithms developed to predict the effect of missense changes on protein structure and function are either unavailable or do not agree on the potential impact of this missense change. The variant allele was found at a frequency of 0.00017 in 250768 control chromosomes. The observed variant frequency exceeds the estimated maximal expected allele frequency for disease-causing variants in NOTCH3. c.5284G>A has been observed in an individual affected with Cerebral arteriopathy, autosomal dominant, with subcortical infarcts and leukoencephalopathy, type 1 and three other unaffected individuals in the same family (Bersano_2012). Since the penetrance of Cerebral arteriopathy, autosomal dominant, with subcortical infarcts and leukoencephalopathy, type 1 due to this variant appears to be lower than expected, no conclusions can be drawn from these data. To our knowledge, no experimental evidence demonstrating an impact on protein function has been reported. The following publication have been ascertained in the context of this evaluation (PMID: 23597439). ClinVar contains an entry for this variant (Variation ID: 994562). Based on the evidence outlined above, the variant was classified as likely benign.

Labcorp Genetics (formerly Invitae), Labcorp
Classification: Likely benign. Last evaluated: 2025-12-17. Review status: criteria provided, single submitter. Criteria: Invitae Variant Classification Sherloc (09022015). Collection method: clinical testing. Allele origin: germline.

Blueprint Genetics
Classification: Likely benign. Last evaluated: 2024-08-26. Review status: criteria provided, single submitter. Criteria: ACMG Guidelines, 2015. Collection method: clinical testing. Allele origin: germline.

Athena Diagnostics
Classification: Benign. Last evaluated: 2024-07-30. Review status: criteria provided, single submitter. Criteria: Athena Diagnostics Criteria. Collection method: clinical testing. Allele origin: unknown.

PreventionGenetics, part of Exact Sciences
Classification: Likely benign for NOTCH3-related condition. Last evaluated: 2024-01-31. Review status: no assertion criteria provided. Collection method: clinical testing. Allele origin: germline. Not counted in ClinVar's aggregate classification.
Comment: This variant is classified as likely benign based on ACMG/AMP sequence variant interpretation guidelines (Richards et al. 2015 PMID: 25741868, with internal and published modifications).

Literature cited by the submitters: PubMed 23597439 (cited by Women's Health and Genetics/Laboratory Corporation of America, LabCorp and Athena Diagnostics); PubMed 36292254 (cited by Athena Diagnostics); PubMed 28902129 (cited by Athena Diagnostics).

NM_000435.3(NOTCH3):c.5284G>A (p.Val1762Met)

Gene: NOTCH3 (notch receptor 3; minus strand). Cytogenetic location: 19p13.12.
Variant type: single nucleotide variant.
Coding change: c.5284G>A on transcript NM_000435.3 (MANE Select); coding-DNA position 5284, G replaced by A.
Protein change: p.Val1762Met; replaces valine 1762 with methionine.
Molecular consequence: missense variant.
Genome position (GRCh38, 1-based): chr19:15,167,327, C>T on the plus strand (G>A on the coding strand, the complement: NOTCH3 is on the minus strand). VCF-style: chr19-15167327-C-T. GRCh37 (hg19) VCF-style: chr19-15278138-C-T.
Other names: short protein forms V1762M.
Identifiers: ClinVar variation 994562 (VCV000994562.13), dbSNP rs756495084, ClinGen allele CA9262673.